The following is an entry in ClinVar:

ClinVar aggregate classification (germline): Uncertain significance (1 of 4 stars; one submission).

Conditions:
Progressive pseudorheumatoid dysplasia (PPRD). Also called: SPONDYLOEPIPHYSEAL DYSPLASIA TARDA WITH PROGRESSIVE ARTHROPATHY; Progressive Pseudorheumatoid Arthropathy of Childhood. Identifiers: Orphanet 1159, MedGen C0432215, MONDO:0008827, OMIM 208230. Disease mechanism: loss of function.

Allele frequency attached by ClinVar (database versions not stated): gnomAD exomes below 0.00001.
gnomAD v4.1: 1 of 1,613,868 alleles (0.000062%); highest among the groups gnomAD compares: Non-Finnish European, 0.000085%; no homozygotes.

Submission:

Baylor Genetics
Classification: Uncertain significance for Progressive pseudorheumatoid dysplasia. Last evaluated: 2019-07-14. Review status: criteria provided, single submitter. Criteria: ACMG Guidelines, 2015. Collection method: clinical testing. Allele origin: unknown. Affected: yes.
Comment: This variant was determined to be of uncertain significance according to ACMG Guidelines, 2015 [PMID:25741868].

NM_198239.2(CCN6):c.29T>C (p.Leu10Pro)

Gene: CCN6 (cellular communication network factor 6; plus strand). Cytogenetic location: 6q21.
Variant type: single nucleotide variant.
Coding change: c.29T>C on transcript NM_198239.2 (MANE Select); coding-DNA position 29, T replaced by C.
Protein change: p.Leu10Pro; replaces leucine 10 with proline.
Molecular consequence: missense variant. On other transcripts: non-coding transcript variant (2).
Genome position (GRCh38, 1-based): chr6:112,054,386, T>C. VCF-style: chr6-112054386-T-C. GRCh37 (hg19) VCF-style: chr6-112375589-T-C.
Other names: c.29T>C, p.Leu10Pro (NM_003880.4); short protein forms L10P.
Identifiers: ClinVar variation 1030720 (VCV001030720.1), dbSNP rs1776282450, ClinGen allele CA365365037.